The following is an entry in ClinVar:

NM_001791.4(CDC42):c.90G>A (p.Ser30=)

Gene: CDC42 (cell division cycle 42; plus strand). Cytogenetic location: 1p36.12.
Variant type: single nucleotide variant.
Coding change: c.90G>A on transcript NM_001791.4 (MANE Select); coding-DNA position 90, G replaced by A.
Protein change: p.Ser30=; no amino-acid change (serine 30 retained).
Molecular consequence: synonymous variant.
Genome position (GRCh38, 1-based): chr1:22,078,568, G>A. VCF-style: chr1-22078568-G-A. GRCh37 (hg19) VCF-style: chr1-22405061-G-A.
Other names: p.Ser30=; c.90G>A, p.Ser30= (NM_044472.3, NM_001039802.2).
Identifiers: ClinVar variation 3604137 (VCV003604137.3).
Genomic context (GRCh38, chr1:22,078,568, plus strand): 5'-CGATGGTGCTGTTGGTAAAACATGTCTCCTGATATCCTACACAACAAACAAATTTCCATC[G>A]GAATATGTACCGACTGTAAGTATAAAGGCTTCCTTCTGTTAGTAAAATGTTGTAAAATTT-3'
Protein context (NP_001782.1, residues 20-40): LISYTTNKFP[Ser30=]EYVPTVFDNY

ClinVar aggregate classification (germline): Likely benign. Review status: criteria provided, multiple submitters, no conflicts (2 of 4 stars). 2 submissions from 2 submitters: Likely benign (2). Last evaluated 2025-10-08.

gnomAD v4.1: 12 of 1,611,872 alleles (0.00074%); highest among the groups gnomAD compares: Non-Finnish European, 0.001%; no homozygotes.

Submissions (2):

Mayo Clinic Laboratories, Mayo Clinic
Classification: Likely benign. Last evaluated: 2025-10-08. Review status: criteria provided, single submitter. Criteria: ACMG Guidelines, 2015. Collection method: clinical testing. Allele origin: germline. Observed: 1 variant allele.
Comment: BP4, BP7

Labcorp Genetics (formerly Invitae), Labcorp
Classification: Likely benign. Last evaluated: 2024-04-25. Review status: criteria provided, single submitter. Criteria: Invitae Variant Classification Sherloc (09022015). Collection method: clinical testing. Allele origin: germline.